The following is an entry in ClinVar:

ClinVar aggregate classification (germline): Uncertain significance. Review status: criteria provided, multiple submitters, no conflicts (2 of 4 stars). 4 submissions from 4 submitters: Uncertain significance (4). Last evaluated 2025-06-23.

Conditions:
Hepatic veno-occlusive disease-immunodeficiency syndrome. Also called: Hepatic Veno-Occlusive Disease with Immunodeficiency. Identifiers: Orphanet 79124, MedGen C1856128, MONDO:0009338, OMIM 235550. Disease mechanism: loss of function.
Inborn genetic diseases. Identifiers: MedGen C0950123, MeSH D030342.

Allele frequency attached by ClinVar (database versions not stated): gnomAD 0.00001; ExAC 0.00003; TOPMed 0.00003; gnomAD exomes 0.00011.
gnomAD v4.1: 63 of 1,613,994 alleles (0.0039%); highest among the groups gnomAD compares: Admixed American, 0.015%; no homozygotes.

Submissions (4):

Ambry Genetics
Classification: Uncertain significance for Inborn genetic diseases. Last evaluated: 2025-06-23. Review status: criteria provided, single submitter. Criteria: Ambry Variant Classification Scheme 2023. Collection method: clinical testing. Allele origin: germline.

Labcorp Genetics (formerly Invitae), Labcorp
Classification: Uncertain significance for Hepatic veno-occlusive disease-immunodeficiency syndrome. Last evaluated: 2024-11-18. Review status: criteria provided, single submitter. Criteria: Invitae Variant Classification Sherloc (09022015). Collection method: clinical testing. Allele origin: germline.
Comment: This sequence change replaces glutamic acid, which is acidic and polar, with aspartic acid, which is acidic and polar, at codon 611 of the SP110 protein (p.Glu611Asp). This variant is present in population databases (rs199635684, gnomAD 0.2%). This variant has not been reported in the literature in individuals affected with SP110-related conditions. ClinVar contains an entry for this variant (Variation ID: 334895). An algorithm developed to predict the effect of missense changes on protein structure and function (PolyPhen-2) suggests that this variant is likely to be disruptive. In summary, the available evidence is currently insufficient to determine the role of this variant in disease. Therefore, it has been classified as a Variant of Uncertain Significance.

Blueprint Genetics
Classification: Uncertain significance. Last evaluated: 2023-11-23. Review status: criteria provided, single submitter. Criteria: ACMG Guidelines, 2015. Collection method: clinical testing. Allele origin: germline.

Illumina Laboratory Services, Illumina
Classification: Uncertain significance for Hepatic veno-occlusive disease-immunodeficiency syndrome. Last evaluated: 2018-01-13. Review status: criteria provided, single submitter. Criteria: ICSL Variant Classification Criteria 13 December 2019. Collection method: clinical testing. Allele origin: germline.

NM_080424.4(SP110):c.1905G>C (p.Glu635Asp)

Gene: SP110 (SP110 nuclear body protein; minus strand). Cytogenetic location: 2q37.1.
Variant type: single nucleotide variant.
Coding change: c.1905G>C on transcript NM_080424.4 (MANE Select); coding-DNA position 1905, G replaced by C.
Protein change: p.Glu635Asp; replaces glutamic acid 635 with aspartic acid.
Molecular consequence: missense variant. On other transcripts: intron variant (1).
Genome position (GRCh38, 1-based): chr2:230,170,744, C>G on the plus strand (G>C on the coding strand, the complement: SP110 is on the minus strand). VCF-style: chr2-230170744-C-G. GRCh37 (hg19) VCF-style: chr2-231035460-C-G.
Other names: c.2001G>C, p.Glu667Asp (NM_001378442.1); c.1983G>C, p.Glu661Asp (NM_001378443.1); c.1923G>C, p.Glu641Asp (NM_001378444.1); c.1851G>C, p.Glu617Asp (NM_001378445.1); c.1833G>C, p.Glu611Asp (NM_004509.5); c.1833+1322G>C (NM_001378446.1); short protein forms E635D, E611D, E617D, E641D, E661D, E667D.
Identifiers: ClinVar variation 334895 (VCV000334895.12), dbSNP rs199635684, ClinGen allele CA2154298.
Genomic context (GRCh38, chr2:230,170,744, plus strand): 5'-GTACATTTCCGTAATCAGCCTTTCCTTAACCAGGTCCAACCACATTGCTTCCTGAAAGGG[C>G]TCACCGTAATCTCGAATCTTGGGGACAAAGCCACCAGAGGTGACGTTAGCACAGCTGTCA-3'
Protein context (NP_536349.3, residues 625-645): GIPFNIRDYG[Glu635Asp]PFQEAMWLDL